The following is an entry in ClinVar:

ClinVar aggregate classification (germline): Uncertain significance (1 of 4 stars; one submission).

Submission:

GeneDx
Classification: Uncertain significance. Last evaluated: 2026-03-06. Review status: criteria provided, single submitter. Criteria: GeneDx Variant Classification Process June 2021. Collection method: clinical testing. Allele origin: germline.
Comment: Not observed at significant frequency in large population cohorts (gnomAD); In silico analysis suggests that this missense variant does not alter protein structure/function; Has not been previously published as pathogenic or benign to our knowledge

NM_005859.5(PURA):c.31G>T (p.Gly11Cys)

Gene: PURA (purine rich element binding protein A; plus strand). Cytogenetic location: 5q31.3.
Variant type: single nucleotide variant.
Coding change: c.31G>T on transcript NM_005859.5 (MANE Select); coding-DNA position 31, G replaced by T.
Protein change: p.Gly11Cys; replaces glycine 11 with cysteine.
Molecular consequence: missense variant.
Genome position (GRCh38, 1-based): chr5:140,114,212, G>T. VCF-style: chr5-140114212-G-T. GRCh37 (hg19) VCF-style: chr5-139493797-G-T.
Other names: short protein forms G11C.
Identifiers: ClinVar variation 5008363 (VCV005008363.1).